The following is an entry in ClinVar:

NM_001286577.2(C2CD3):c.597T>C (p.Thr199=)

Gene: C2CD3 (C2 domain containing 3 centriole elongation regulator; minus strand). Cytogenetic location: 11q13.4.
Variant type: single nucleotide variant.
Coding change: c.597T>C on transcript NM_001286577.2 (MANE Select); coding-DNA position 597, T replaced by C.
Protein change: p.Thr199=; no amino-acid change (threonine 199 retained).
Molecular consequence: synonymous variant.
Genome position (GRCh38, 1-based): chr11:74,139,715, A>G on the plus strand (T>C on the coding strand, the complement: C2CD3 is on the minus strand). VCF-style: chr11-74139715-A-G. GRCh37 (hg19) VCF-style: chr11-73850760-A-G.
Other names: c.597T>C, p.Thr199= (NM_015531.6).
Identifiers: ClinVar variation 3029236 (VCV003029236.2), dbSNP rs1311222334, ClinGen allele CA475874835.

ClinVar aggregate classification (germline): Likely benign (0 of 4 stars; one submission).

Conditions:
C2CD3-related disorder. Also called: C2CD3-related condition.

Allele frequency attached by ClinVar (database versions not stated): gnomAD exomes below 0.00001; TOPMed below 0.00001; gnomAD 0.00001.
gnomAD v4.1: 3 of 1,613,552 alleles (0.00019%); highest among the groups gnomAD compares: Non-Finnish European, 0.00025%; no homozygotes.

Submission:

PreventionGenetics, part of Exact Sciences
Classification: Likely benign for C2CD3-related condition. Last evaluated: 2021-12-23. Review status: no assertion criteria provided. Collection method: clinical testing. Allele origin: germline.
Comment: This variant is classified as likely benign based on ACMG/AMP sequence variant interpretation guidelines (Richards et al. 2015 PMID: 25741868, with internal and published modifications).